The following is an entry in ClinVar:

NM_004656.4(BAP1):c.39C>A (p.Gly13=)

Gene: BAP1 (BRCA1 associated deubiquitinase 1; minus strand). Cytogenetic location: 3p21.1.
Variant type: single nucleotide variant.
Coding change: c.39C>A on transcript NM_004656.4 (MANE Select); coding-DNA position 39, C replaced by A.
Protein change: p.Gly13=; no amino-acid change (glycine 13 retained).
Molecular consequence: synonymous variant.
Genome position (GRCh38, 1-based): chr3:52,409,742, G>T on the plus strand (C>A on the coding strand, the complement: BAP1 is on the minus strand). VCF-style: chr3-52409742-G-T. GRCh37 (hg19) VCF-style: chr3-52443758-G-T.
Identifiers: ClinVar variation 1605735 (VCV001605735.9), dbSNP rs2153228634, ClinGen allele CA433778725.

ClinVar aggregate classification (germline): Benign/Likely benign. Review status: criteria provided, multiple submitters, no conflicts (2 of 4 stars). 2 submissions from 2 submitters: Benign (1); Likely benign (1). Last evaluated 2024-07-11.

Conditions:
BAP1-related tumor predisposition syndrome (TPDS1). Also called: BAP1 tumor predisposition syndrome; COMMON Syndrome; TUMOR PREDISPOSITION SYNDROME 1; Tumor susceptibility linked to germline BAP1 mutations. Identifiers: Orphanet 289539, MedGen C3280492, MONDO:0013692, OMIM 614327.

Submissions (2):

Myriad Genetics, Inc.
Classification: Benign for BAP1-related tumor predisposition syndrome. Last evaluated: 2024-07-11. Review status: criteria provided, single submitter. Criteria: Myriad Autosomal Dominant, Autosomal Recessive and X-Linked Classification Criteria (2023). Collection method: clinical testing. Allele origin: unknown.
Comment: This variant is considered benign. This variant is a silent/synonymous amino acid change and it is not expected to impact splicing.

Labcorp Genetics (formerly Invitae), Labcorp
Classification: Likely benign for BAP1-related tumor predisposition syndrome. Last evaluated: 2021-11-16. Review status: criteria provided, single submitter. Criteria: Invitae Variant Classification Sherloc (09022015). Collection method: clinical testing. Allele origin: germline.